The following is an entry in ClinVar:

ClinVar aggregate classification (germline): Likely benign. Review status: criteria provided, single submitter (1 of 4 stars). 2 submissions from 2 submitters: Likely benign (1). 1 of the submissions does not count toward it. Last evaluated 2024-07-30.

Conditions:
DLST-related disorder. Also called: DLST-related condition.

Allele frequency attached by ClinVar (database versions not stated): gnomAD 0.00006; gnomAD exomes 0.00006; TOPMed 0.00007; ExAC 0.00010; ESP Exome Variant Server 0.00015; 1000 Genomes Project 30x 0.00016; 1000 Genomes Project 0.00020.
gnomAD v4.1: 101 of 1,612,910 alleles (0.0063%); highest among the groups gnomAD compares: East Asian, 0.045%; no homozygotes.

Submissions (2):

Labcorp Genetics (formerly Invitae), Labcorp
Classification: Likely benign. Last evaluated: 2024-07-30. Review status: criteria provided, single submitter. Criteria: Invitae Variant Classification Sherloc (09022015). Collection method: clinical testing. Allele origin: germline.

PreventionGenetics, part of Exact Sciences
Classification: Likely benign for DLST-related condition. Last evaluated: 2023-01-06. Review status: no assertion criteria provided. Collection method: clinical testing. Allele origin: germline. Not counted in ClinVar's aggregate classification.
Comment: This variant is classified as likely benign based on ACMG/AMP sequence variant interpretation guidelines (Richards et al. 2015 PMID: 25741868, with internal and published modifications).

NM_001933.5(DLST):c.465G>A (p.Pro155=)

Gene: DLST (dihydrolipoamide S-succinyltransferase; plus strand). Cytogenetic location: 14q24.3.
Variant type: single nucleotide variant.
Coding change: c.465G>A on transcript NM_001933.5 (MANE Select); coding-DNA position 465, G replaced by A.
Protein change: p.Pro155=; no amino-acid change (proline 155 retained).
Molecular consequence: synonymous variant. On other transcripts: non-coding transcript variant (2).
Genome position (GRCh38, 1-based): chr14:74,892,856, G>A. VCF-style: chr14-74892856-G-A. GRCh37 (hg19) VCF-style: chr14-75359559-G-A.
Identifiers: ClinVar variation 3047827 (VCV003047827.4), dbSNP rs181867568, ClinGen allele CA7273520.